The following is an entry in ClinVar:

NM_022114.4(PRDM16):c.2200C>T (p.Pro734Ser)

Gene: PRDM16 (PR/SET domain 16; plus strand). Cytogenetic location: 1p36.32.
Variant type: single nucleotide variant.
Coding change: c.2200C>T on transcript NM_022114.4 (MANE Select); coding-DNA position 2200, C replaced by T.
Protein change: p.Pro734Ser; replaces proline 734 with serine.
Molecular consequence: missense variant.
Genome position (GRCh38, 1-based): chr1:3,412,397, C>T. VCF-style: chr1-3412397-C-T. GRCh37 (hg19) VCF-style: chr1-3328961-C-T.
Other names: c.2200C>T, p.Pro734Ser (NM_199454.3); short protein forms P734S.
Identifiers: ClinVar variation 1485816 (VCV001485816.6), dbSNP rs753162594, ClinGen allele CA544413.

ClinVar aggregate classification (germline): Uncertain significance (1 of 4 stars; one submission).

Conditions:
Left ventricular noncompaction 8 (LVNC8). Identifiers: Orphanet 154, Orphanet 54260, MedGen C3809288, MONDO:0014152, OMIM 615373.

Allele frequency attached by ClinVar (database versions not stated): gnomAD exomes below 0.00001 and 0.00001; ExAC 0.00001.
gnomAD v4.1: 2 of 1,613,378 alleles (0.00012%); highest among the groups gnomAD compares: Non-Finnish European, 0.00017%; no homozygotes.

Submission:

Labcorp Genetics (formerly Invitae), Labcorp
Classification: Uncertain significance for Left ventricular noncompaction 8. Last evaluated: 2022-11-15. Review status: criteria provided, single submitter. Criteria: Invitae Variant Classification Sherloc (09022015). Collection method: clinical testing. Allele origin: germline.
Comment: Algorithms developed to predict the effect of missense changes on protein structure and function are either unavailable or do not agree on the potential impact of this missense change (SIFT: "Deleterious"; PolyPhen-2: "Benign"; Align-GVGD: "Class C65"). In summary, the available evidence is currently insufficient to determine the role of this variant in disease. Therefore, it has been classified as a Variant of Uncertain Significance. ClinVar contains an entry for this variant (Variation ID: 1485816). This variant is present in population databases (rs753162594, gnomAD 0.002%). This variant has not been reported in the literature in individuals affected with PRDM16-related conditions. This sequence change replaces proline, which is neutral and non-polar, with serine, which is neutral and polar, at codon 734 of the PRDM16 protein (p.Pro734Ser).